The following is an entry in ClinVar:

NM_013382.7(POMT2):c.1653+4T>G

Gene: POMT2 (protein O-mannosyltransferase 2; minus strand). Cytogenetic location: 14q24.3.
Variant type: single nucleotide variant.
Coding change: c.1653+4T>G on transcript NM_013382.7 (MANE Select); 4 bases into the intron after coding-DNA position 1653, T replaced by G.
Molecular consequence: intron variant.
Genome position (GRCh38, 1-based): chr14:77,283,793, A>C on the plus strand (T>G on the coding strand, the complement: POMT2 is on the minus strand). VCF-style: chr14-77283793-A-C. GRCh37 (hg19) VCF-style: chr14-77750136-A-C.
Identifiers: ClinVar variation 573438 (VCV000573438.6), dbSNP rs555289061, ClinGen allele CA7285786.
Genomic context (GRCh38, chr14:77,283,793, plus strand): 5'-GATCCAAATTCATGGCTGCCCAAAAGCTCTTAGAGACGCCATGAAATGAGAAGGGGACAC[A>C]TACCCGGATCATGACCATGTGGGATTCCAGCAAGATCTCAGGAAAACTGGGCTGTAGCAC-3'

ClinVar aggregate classification (germline): Uncertain significance (1 of 4 stars; one submission).

Conditions:
Muscular dystrophy-dystroglycanopathy (congenital with impaired intellectual development), type B, 2. Also called: Muscular dystrophy-dystroglycanopathy (congenital with intellectual disability), type B2; MUSCULAR DYSTROPHY, CONGENITAL, POMT2-RELATED. Identifiers: MedGen C3150416, MONDO:0013160, OMIM 613156.
Autosomal recessive limb-girdle muscular dystrophy type 2N. Also called: Muscular dystrophy-dystroglycanopathy (limb-girdle), type C, 2; MUSCULAR DYSTROPHY-DYSTROGLYCANOPATHY, LIMB-GIRDLE, POMT2-RELATED. Identifiers: Orphanet 206559, MedGen C3150418, MONDO:0013162, OMIM 613158.
Muscular dystrophy-dystroglycanopathy (congenital with brain and eye anomalies), type A2. Also called: MUSCULAR DYSTROPHY-DYSTROGLYCANOPATHY (CONGENITAL WITH BRAIN AND EYE ANOMALIES), TYPE A, 2; WALKER-WARBURG SYNDROME OR MUSCLE-EYE-BRAIN DISEASE, POMT2-RELATED. Identifiers: Orphanet 588, Orphanet 899, MedGen C3150411, MONDO:0013154, OMIM 613150.

Allele frequency attached by ClinVar (database versions not stated): gnomAD 0.00003 and 0.00004; gnomAD exomes below 0.00001 and 0.00002; TOPMed 0.00002; 1000 Genomes Project 0.00020; ExAC 0.00002; 1000 Genomes Project 30x 0.00016.
gnomAD v4.1: 10 of 1,600,842 alleles (0.00062%); highest among the groups gnomAD compares: East Asian, 0.022%; no homozygotes.

Submission:

Labcorp Genetics (formerly Invitae), Labcorp
Classification: Uncertain significance for Muscular dystrophy-dystroglycanopathy (congenital with impaired intellectual development), type B, 2; Muscular dystrophy-dystroglycanopathy (congenital with brain and eye anomalies), type A2; Autosomal recessive limb-girdle muscular dystrophy type 2N. Last evaluated: 2021-08-24. Review status: criteria provided, single submitter. Criteria: Invitae Variant Classification Sherloc (09022015). Collection method: clinical testing. Allele origin: germline.
Comment: This sequence change falls in intron 15 of the POMT2 gene. It does not directly change the encoded amino acid sequence of the POMT2 protein. It affects a nucleotide within the consensus splice site of the intron. This variant is present in population databases (rs555289061, ExAC 0.02%). This variant has not been reported in the literature in individuals affected with POMT2-related conditions. ClinVar contains an entry for this variant (Variation ID: 573438). Variants that disrupt the consensus splice site are a relatively common cause of aberrant splicing (PMID: 17576681, 9536098). Algorithms developed to predict the effect of sequence changes on RNA splicing suggest that this variant may create or strengthen a splice site. In summary, the available evidence is currently insufficient to determine the role of this variant in disease. Therefore, it has been classified as a Variant of Uncertain Significance.

Literature cited by the submitters: PubMed 17576681; PubMed 9536098.